The following is an entry in ClinVar:

ClinVar aggregate classification (germline): Uncertain significance (1 of 4 stars; one submission).

Conditions:
Autoimmune lymphoproliferative syndrome type 2A (ALPS2A). Also called: CASP10-Related Autoimmune Lymphoproliferative Syndrome; AUTOIMMUNE LYMPHOPROLIFERATIVE SYNDROME, TYPE IIA; Autoimmune lymphoproliferative syndrome type 2. Identifiers: Orphanet 3261, MedGen C1858968, MONDO:0011383, OMIM 603909.

gnomAD v4.1: 6 of 1,608,784 alleles (0.00037%); highest among the groups gnomAD compares: Non-Finnish European, 0.00051%; no homozygotes.

Submission:

Labcorp Genetics (formerly Invitae), Labcorp
Classification: Uncertain significance for Autoimmune lymphoproliferative syndrome type 2A. Last evaluated: 2025-06-22. Review status: criteria provided, single submitter. Criteria: Invitae Variant Classification Sherloc (09022015). Collection method: clinical testing. Allele origin: germline.
Comment: This sequence change replaces isoleucine, which is neutral and non-polar, with methionine, which is neutral and non-polar, at codon 194 of the CASP10 protein (p.Ile194Met). This variant is present in population databases (no rsID available, gnomAD 0.002%). This variant has not been reported in the literature in individuals affected with CASP10-related conditions. Invitae Evidence Modeling of protein sequence and biophysical properties (such as structural, functional, and spatial information, amino acid conservation, physicochemical variation, residue mobility, and thermodynamic stability) indicates that this missense variant is not expected to disrupt CASP10 protein function with a negative predictive value of 80%. In summary, the available evidence is currently insufficient to determine the role of this variant in disease. Therefore, it has been classified as a Variant of Uncertain Significance.

NM_032977.4(CASP10):c.582C>G (p.Ile194Met)

Gene: CASP10 (caspase 10; plus strand). Cytogenetic location: 2q33.1.
Variant type: single nucleotide variant.
Coding change: c.582C>G on transcript NM_032977.4 (MANE Select); coding-DNA position 582, C replaced by G.
Protein change: p.Ile194Met; replaces isoleucine 194 with methionine.
Molecular consequence: missense variant.
Genome position (GRCh38, 1-based): chr2:201,195,846, C>G. VCF-style: chr2-201195846-C-G. GRCh37 (hg19) VCF-style: chr2-202060569-C-G.
Other names: c.582C>G, p.Ile194Met (NM_001206524.2, NM_001206542.2, NM_001230.5 and 3 more transcripts); short protein forms I194M.
Identifiers: ClinVar variation 4791799 (VCV004791799.1).
Genomic context (GRCh38, chr2:201,195,846, plus strand): 5'-TCCTGCTGCTAGTCAGAAGGTGATTTTTATTTTTCTGTCTGTGATTTTATTTTCAGCTAT[C>G]CAGATAGTGACACCTCCTGTAGACAAGGAAGCCGAGTCGTATCAAGGAGAGGAAGAACTA-3'
Protein context (NP_116759.2, residues 184-204): NIEKYKREKA[Ile194Met]QIVTPPVDKE